The following is an entry in ClinVar:

ClinVar aggregate classification (germline): Likely benign. Review status: criteria provided, multiple submitters, no conflicts (2 of 4 stars). 3 submissions from 3 submitters: Likely benign (3). Last evaluated 2025-12-01.

Conditions:
MEGF8-related Carpenter syndrome. Also called: Carpenter syndrome 2. Identifiers: Orphanet 65759, MedGen C3554247, MONDO:0013998, OMIM 614976.

Allele frequency attached by ClinVar (database versions not stated): ESP Exome Variant Server 0.00008; 1000 Genomes Project 30x 0.00016; ExAC 0.00016; TOPMed 0.00016; gnomAD exomes 0.00017; gnomAD 0.00018; 1000 Genomes Project 0.00020.
gnomAD v4.1: 275 of 1,612,338 alleles (0.017%); highest among the groups gnomAD compares: Middle Eastern, 0.067%; 1 homozygote.

Submissions (3):

CeGaT Center for Human Genetics Tuebingen
Classification: Likely benign. Last evaluated: 2025-12-01. Review status: criteria provided, single submitter. Criteria: CeGaT Center For Human Genetics Tuebingen Variant Classification Criteria Version 2. Collection method: clinical testing. Allele origin: germline. Affected: yes. Observed: 2 variant alleles.
Comment: MEGF8: BP4, BP7

Labcorp Genetics (formerly Invitae), Labcorp
Classification: Likely benign for MEGF8-related Carpenter syndrome. Last evaluated: 2025-01-20. Review status: criteria provided, single submitter. Criteria: Invitae Variant Classification Sherloc (09022015). Collection method: clinical testing. Allele origin: germline.

Blueprint Genetics
Classification: Likely benign. Last evaluated: 2024-10-24. Review status: criteria provided, single submitter. Criteria: ACMG Guidelines, 2015. Collection method: clinical testing. Allele origin: germline.

NM_001271938.2(MEGF8):c.5733G>A (p.Gly1911=)

Gene: MEGF8 (multiple EGF like domains 8; plus strand). Cytogenetic location: 19q13.2.
Variant type: single nucleotide variant.
Coding change: c.5733G>A on transcript NM_001271938.2 (MANE Select); coding-DNA position 5733, G replaced by A.
Protein change: p.Gly1911=; no amino-acid change (glycine 1911 retained).
Molecular consequence: synonymous variant.
Genome position (GRCh38, 1-based): chr19:42,362,102, G>A. VCF-style: chr19-42362102-G-A. GRCh37 (hg19) VCF-style: chr19-42866254-G-A.
Other names: c.5532G>A, p.Gly1844= (NM_001410.3).
Identifiers: ClinVar variation 2038429 (VCV002038429.22), dbSNP rs138644598, ClinGen allele CA9475673.
Genomic context (GRCh38, chr19:42,362,102, plus strand): 5'-GGAGGGGGTCTGGATGGGTGTGAGTGAGCCAGGCCTCATGTCCTTTAGGCTGGGCTGCGG[G>A]GGCTCCCCCTGCTCCCCAATGCCTCGCTCCCCGGAGGAATGTCGACGTCTCCGGACCTGC-3'
Protein context (NP_001258867.1, residues 1901-1921): SGDQAHRLGC[Gly1911=]GSPCSPMPRS